The following is an entry in ClinVar:

ClinVar aggregate classification (germline): Likely benign (0 of 4 stars; one submission).

Conditions:
Familial cancer of breast. Also called: BREAST CANCER, FAMILIAL; hereditary breast carcinoma; Hereditary breast cancer. Identifiers: Orphanet 227535, MedGen C0346153, MONDO:0016419, OMIM 114480. Disease mechanism: loss of function.

Allele frequency attached by ClinVar (database versions not stated): gnomAD exomes below 0.00001.
gnomAD v4.1: 5 of 1,599,666 alleles (0.00031%); highest among the groups gnomAD compares: Non-Finnish European, 0.00026%; no homozygotes.

Submission:

Leiden Open Variation Database
Classification: Likely benign for Familial cancer of breast. Last evaluated: 2019-05-13. Review status: no assertion criteria provided. Collection method: curation. Allele origin: germline. Affected: yes.
Comment: Curators: Marc Tischkowitz, Arleen D. Auerbach. Submitter to LOVD: Marc Tischkowitz.

Literature cited by the submitters: PubMed 17287723.

NM_024675.4(PALB2):c.-46G>A

Gene: PALB2 (partner and localizer of BRCA2; minus strand). Cytogenetic location: 16p12.2.
Variant type: single nucleotide variant.
Coding change: c.-46G>A on transcript NM_024675.4 (MANE Select); 46 bases upstream of the start codon, G replaced by A.
Molecular consequence: 5 prime UTR variant.
Genome position (GRCh38, 1-based): chr16:23,641,203, C>T on the plus strand (G>A on the coding strand, the complement: PALB2 is on the minus strand). VCF-style: chr16-23641203-C-T. GRCh37 (hg19) VCF-style: chr16-23652524-C-T.
Identifiers: ClinVar variation 126577 (VCV000126577.3), dbSNP rs180177141, ClinGen allele CA269472.